The following is an entry in ClinVar:

NM_001367943.1(TCF7L2):c.139T>C (p.Ser47Pro)

Gene: TCF7L2 (transcription factor 7 like 2; plus strand). Cytogenetic location: 10q25.2.
Variant type: single nucleotide variant.
Coding change: c.139T>C on transcript NM_001367943.1 (MANE Select); coding-DNA position 139, T replaced by C.
Protein change: p.Ser47Pro; replaces serine 47 with proline.
Molecular consequence: missense variant.
Genome position (GRCh38, 1-based): chr10:112,950,895, T>C. VCF-style: chr10-112950895-T-C. GRCh37 (hg19) VCF-style: chr10-114710654-T-C.
Other names: c.139T>C, p.Ser47Pro (NM_001146274.2, NM_001146283.2, NM_001146284.2 and 11 more transcripts); short protein forms S47P.
Identifiers: ClinVar variation 4690189 (VCV004690189.1).

ClinVar aggregate classification (germline): Uncertain significance (1 of 4 stars; one submission).

Submission:

GeneDx
Classification: Uncertain significance. Last evaluated: 2025-08-01. Review status: criteria provided, single submitter. Criteria: GeneDx Variant Classification Process June 2021. Collection method: clinical testing. Allele origin: germline. Affected: yes.
Comment: Not observed at significant frequency in large population cohorts (gnomAD); In silico analysis supports that this missense variant has a deleterious effect on protein structure/function; Has not been previously published as pathogenic or benign to our knowledge